The following is an entry in ClinVar:

ClinVar aggregate classification (germline): Uncertain significance. Review status: criteria provided, multiple submitters, no conflicts (2 of 4 stars). 5 submissions from 5 submitters: Uncertain significance (4). 1 of the submissions does not count toward it. Last evaluated 2025-08-29.

Conditions:
Inborn genetic diseases. Identifiers: MedGen C0950123, MeSH D030342.
Short-rib thoracic dysplasia 10 with or without polydactyly (SRTD10). Identifiers: Orphanet 474, MedGen C3810175, MONDO:0014284, OMIM 615630.
Bardet-Biedl syndrome 20. Identifiers: MedGen C4310707, MONDO:0023670, OMIM 619471, MONDO:0014926.
Retinitis pigmentosa 71 (RP71). Identifiers: Orphanet 791, MedGen C4225342, MONDO:0014618, OMIM 616394.
IFT172-related disorder. Also called: IFT172-related disorders; IFT172-related condition.

Allele frequency attached by ClinVar (database versions not stated): gnomAD 0.00001; TOPMed 0.00001; gnomAD exomes 0.00002 and 0.00004.
gnomAD v4.1: 57 of 1,612,390 alleles (0.0035%); highest among the groups gnomAD compares: Non-Finnish European, 0.0048%; no homozygotes.

Submissions (5):

Ambry Genetics
Classification: Uncertain significance for Inborn genetic diseases. Last evaluated: 2025-08-29. Review status: criteria provided, single submitter. Criteria: Ambry Variant Classification Scheme 2023. Collection method: clinical testing. Allele origin: germline.

Fulgent Genetics
Classification: Uncertain significance for Short-rib thoracic dysplasia 10 with or without polydactyly; Retinitis pigmentosa 71; Bardet-Biedl syndrome 20. Last evaluated: 2024-02-20. Review status: criteria provided, single submitter. Criteria: ACMG Guidelines, 2015. Collection method: clinical testing. Allele origin: germline.

Blueprint Genetics
Classification: Uncertain significance. Last evaluated: 2022-04-28. Review status: criteria provided, single submitter. Criteria: ACMG Guidelines, 2015. Collection method: clinical testing. Allele origin: germline.

Labcorp Genetics (formerly Invitae), Labcorp
Classification: Uncertain significance for Retinitis pigmentosa 71; Short-rib thoracic dysplasia 10 with or without polydactyly. Last evaluated: 2021-04-12. Review status: criteria provided, single submitter. Criteria: Invitae Variant Classification Sherloc (09022015). Collection method: clinical testing. Allele origin: germline.
Comment: In summary, the available evidence is currently insufficient to determine the role of this variant in disease. Therefore, it has been classified as a Variant of Uncertain Significance. Algorithms developed to predict the effect of missense changes on protein structure and function are either unavailable or do not agree on the potential impact of this missense change (SIFT: "Deleterious"; PolyPhen-2: "Probably Damaging"; Align-GVGD: "Class C0"). This variant has not been reported in the literature in individuals with IFT172-related conditions. This variant is not present in population databases (ExAC no frequency). This sequence change replaces proline with alanine at codon 850 of the IFT172 protein (p.Pro850Ala). The proline residue is highly conserved and there is a small physicochemical difference between proline and alanine.

PreventionGenetics, part of Exact Sciences
Classification: Uncertain significance for IFT172-related condition. Last evaluated: 2024-08-23. Review status: no assertion criteria provided. Collection method: clinical testing. Allele origin: germline. Not counted in ClinVar's aggregate classification.
Comment: The IFT172 c.2548C>G variant is predicted to result in the amino acid substitution p.Pro850Ala. To our knowledge, this variant has not been reported in the literature. This variant is reported in 0.0035% of alleles in individuals of European (Non-Finnish) descent in gnomAD. At this time, the clinical significance of this variant is uncertain due to the absence of conclusive functional and genetic evidence.

NM_015662.3(IFT172):c.2548C>G (p.Pro850Ala)

Genes: IFT172 (intraflagellar transport 172; minus strand), LOC126806174 (CDK7 strongly-dependent group 2 enhancer GRCh37_chr2:27681686-27682885; plus strand). Cytogenetic location: 2p23.3.
Variant type: single nucleotide variant.
Coding change: c.2548C>G on transcript NM_015662.3 (MANE Select); coding-DNA position 2548, C replaced by G.
Protein change: p.Pro850Ala; replaces proline 850 with alanine.
Molecular consequence: missense variant.
Genome position (GRCh38, 1-based): chr2:27,459,803, G>C on the plus strand (C>G on the coding strand, the complement: IFT172 is on the minus strand). VCF-style: chr2-27459803-G-C. GRCh37 (hg19) VCF-style: chr2-27682670-G-C.
Other names: c.2548C>G (NM_015662.1, NM_015662.2); short protein forms P850A.
Identifiers: ClinVar variation 1359296 (VCV001359296.12), dbSNP rs1401639649, ClinGen allele CA346382838.
Genomic context (GRCh38, chr2:27,459,803, plus strand): 5'-GCTGCTTCTGCTGCACCAGGTGGTCCCCCCATGCCTCCTCTAGTTTCACCACCTCCACTG[G>C]GAAGGCCAATCGAGCCAGCTCTACCGCTGCCAGGGAGAGAAAAGATGCTCAGCCCAGATT-3'
Protein context (NP_056477.1, residues 840-860): KAVELARLAF[Pro850Ala]VEVVKLEEAW